The following is an entry in ClinVar:

NM_001042492.3(NF1):c.1005T>C (p.Asn335=)

Gene: NF1 (neurofibromin 1; plus strand). Cytogenetic location: 17q11.2.
Variant type: single nucleotide variant.
Coding change: c.1005T>C on transcript NM_001042492.3 (MANE Select); coding-DNA position 1005, T replaced by C.
Protein change: p.Asn335=; no amino-acid change (asparagine 335 retained).
Molecular consequence: synonymous variant.
Genome position (GRCh38, 1-based): chr17:31,200,538, T>C. VCF-style: chr17-31200538-T-C. GRCh37 (hg19) VCF-style: chr17-29527556-T-C.
Other names: c.1005T>C, p.Asn335= (NM_000267.4, NM_001128147.3).
Identifiers: ClinVar variation 184560 (VCV000184560.23), dbSNP rs777369021, ClinGen allele CA189299.

ClinVar aggregate classification (germline): Benign/Likely benign. Review status: criteria provided, multiple submitters, no conflicts (2 of 4 stars). 13 submissions from 12 submitters: Benign (5); Likely benign (8). Last evaluated 2026-05-15.

Conditions:
Hereditary cancer-predisposing syndrome. Also called: Tumor predisposition; Neoplastic Syndromes, Hereditary; Hereditary neoplastic syndrome; Hereditary Cancer Syndrome. Identifiers: Orphanet 140162, MedGen C0027672, MeSH D009386, MONDO:0015356.
Neurofibromatosis, familial spinal (FSNF). Identifiers: Orphanet 636, MedGen C1834235, MONDO:0008078, OMIM 162210. Disease mechanism: loss of function.
Neurofibromatosis-Noonan syndrome (NFNS). Also called: NEUROFIBROMATOSIS WITH NOONAN PHENOTYPE. Identifiers: Orphanet 638, MedGen C2931482, MONDO:0011035, OMIM 601321. Disease mechanism: loss of function.
Neurofibromatosis, type 1 (NF1). Also called: NEUROFIBROMATOSIS, TYPE I, SOMATIC; Peripheral type neurofibromatosis; VON RECKLINGHAUSEN DISEASE; Neurofibromatosis, type I. Identifiers: Orphanet 636, MedGen C0027831, MONDO:0018975, OMIM 162200. Disease mechanism: loss of function.
Café-au-lait macules with pulmonary stenosis (WTSN). Also called: PULMONIC STENOSIS WITH CAFE-AU-LAIT SPOTS. Identifiers: MedGen C0553586, MONDO:0008672, OMIM 193520.
Juvenile myelomonocytic leukemia (JMML). Also called: LEUKEMIA, JUVENILE MYELOMONOCYTIC, SOMATIC. Identifiers: Orphanet 86834, MedGen C0349639, MONDO:0011908, OMIM 607785, HP:0012209.

Allele frequency attached by ClinVar (database versions not stated): gnomAD exomes 0.00008; ExAC 0.00010; gnomAD 0.00010 and 0.00011; TOPMed 0.00014.

Submissions (13):

Myriad Genetics, Inc.
Classification: Benign for Neurofibromatosis, type 1. Last evaluated: 2026-05-15. Review status: criteria provided, single submitter. Criteria: Myriad Autosomal Dominant, Autosomal Recessive and X-Linked Classification Criteria (2023). Collection method: clinical testing. Allele origin: unknown.
Comment: This variant is considered benign. This variant is a silent/synonymous amino acid change and it is not expected to impact splicing.

Labcorp Genetics (formerly Invitae), Labcorp
Classification: Benign for Neurofibromatosis, type 1. Last evaluated: 2026-02-04. Review status: criteria provided, single submitter. Criteria: Invitae Variant Classification Sherloc (09022015). Collection method: clinical testing. Allele origin: germline.

Institute for Biomarker Research, Medical Diagnostic Laboratories, L.L.C.
Classification: Likely benign for Hereditary cancer-predisposing syndrome. Last evaluated: 2025-06-16. Review status: criteria provided, single submitter. Criteria: ACMG Guidelines, 2015. Collection method: clinical testing. Allele origin: germline.
Comment: The synonymous variant NM_000267.3(NF1):c.1005T>C (p.Asn335=) has been reported to ClinVar as Benign/Likely benign with a status of (2 stars) criteria provided, multiple submitters, no conflicts (Variation ID 184560 as of 2025-06-05). The p.Asn335= variant is not predicted to disrupt an existing splice site. The p.Asn335= variant results in a substitution of a base that is not predicted conserved by GERP++ and PhyloP. For these reasons, this variant has been classified as Likely Benign.

KCCC/NGS Laboratory, Kuwait Cancer Control Center
Classification: Benign for Neurofibromatosis, type 1. Last evaluated: 2025-02-01. Review status: criteria provided, single submitter. Criteria: ACMG Guidelines, 2015. Collection method: clinical testing. Allele origin: germline. Affected: no.

Blueprint Genetics
Classification: Likely benign. Last evaluated: 2024-08-26. Review status: criteria provided, single submitter. Criteria: ACMG Guidelines, 2015. Collection method: clinical testing. Allele origin: germline.

KCCC/NGS Laboratory, Kuwait Cancer Control Center
Classification: Benign for Neurofibromatosis, familial spinal. Last evaluated: 2023-07-07. Review status: criteria provided, single submitter. Criteria: ACMG Guidelines, 2015. Collection method: clinical testing. Allele origin: germline. Affected: yes.

Genome-Nilou Lab
Classification: Benign for Neurofibromatosis, type 1. Last evaluated: 2022-03-15. Review status: criteria provided, single submitter. Criteria: ACMG Guidelines, 2015. Collection method: clinical testing. Allele origin: germline. Affected: no.

Fulgent Genetics
Classification: Likely benign for Neurofibromatosis, type 1; Neurofibromatosis, familial spinal; Café-au-lait macules with pulmonary stenosis; Neurofibromatosis-Noonan syndrome; Juvenile myelomonocytic leukemia. Last evaluated: 2021-10-19. Review status: criteria provided, single submitter. Criteria: ACMG Guidelines, 2015. Collection method: clinical testing. Allele origin: unknown.

Sema4
Classification: Likely benign for Hereditary cancer-predisposing syndrome. Last evaluated: 2021-02-10. Review status: criteria provided, single submitter. Criteria: Sema4 Curation Guidelines. Collection method: curation. Allele origin: germline.

Ambry Genetics
Classification: Likely benign for Hereditary cancer-predisposing syndrome. Last evaluated: 2020-09-02. Review status: criteria provided, single submitter. Criteria: Ambry Autosomal Dominant and X-Linked criteria (7/2020). Collection method: clinical testing. Allele origin: germline. Observed: 1 variant allele.

Genetic Services Laboratory, University of Chicago
Classification: Likely benign. Last evaluated: 2020-04-09. Review status: criteria provided, single submitter. Criteria: ACMG Guidelines, 2015. Collection method: clinical testing. Allele origin: germline. Affected: no.

Women's Health and Genetics/Laboratory Corporation of America, LabCorp
Classification: Likely benign. Last evaluated: 2019-03-14. Review status: criteria provided, single submitter. Criteria: LabCorp Variant Classification Summary - May 2015. Collection method: clinical testing. Allele origin: germline.
Comment: Variant summary: NF1 c.1005T>C alters a non-conserved nucleotide resulting in a synonymous change. 5/5 computational tools predict no significant impact on normal splicing. However, these predictions have yet to be confirmed by functional studies. The variant allele was found at a frequency of 8.3e-05 in 277190 control chromosomes (gnomAD). This frequency is not significantly higher than expected for a pathogenic variant in NF1 causing Neurofibromatosis Type 1 (8.3e-05 vs 0.00021), allowing no conclusion about variant significance. This variant has been reported in the literature in individuals affected with Neurofibromatosis Type 1 (Gasparini_1996, Bottillo_2007), without strong evidence for causality. These reports do not provide unequivocal conclusions about association of the variant with Neurofibromatosis Type 1. Co-occurrences with other pathogenic variant have been reported (Bottillo_2007; NF1 c.476delC , p.Arg160Glyfs*5), providing supporting evidence for a benign role. In an in vitro mini gene assay, the variant was shown to abolish an expression of an alternative transcript lacking exon 7, however the clinical significance of this outcome is unclear (Bottillo_2007). Two clinical diagnostic laboratories have submitted clinical-significance assessments for this variant to ClinVar after 2014 without evidence for independent evaluation. All laboratories classified the variant as benign/likely benign. Based on the evidence outlined above, the variant was classified as likely benign.

GeneDx
Classification: Likely benign. Last evaluated: 2018-01-02. Review status: criteria provided, single submitter. Criteria: GeneDx Variant Classification (06012015). Collection method: clinical testing. Allele origin: germline. Affected: yes.
Comment: This variant is considered likely benign or benign based on one or more of the following criteria: it is a conservative change, it occurs at a poorly conserved position in the protein, it is predicted to be benign by multiple in silico algorithms, and/or has population frequency not consistent with disease.

Literature cited by the submitters: PubMed 17295913 (cited by Sema4 and Ambry Genetics); PubMed 10678181 (cited by Women's Health and Genetics/Laboratory Corporation of America, LabCorp); PubMed 23460398 (cited by Women's Health and Genetics/Laboratory Corporation of America, LabCorp); PubMed 29872168 (cited by Women's Health and Genetics/Laboratory Corporation of America, LabCorp).